The following is an entry in ClinVar:

ClinVar aggregate classification (germline): Uncertain significance (3 of 4 stars; one submission).

Conditions:
Monogenic diabetes. Identifiers: Orphanet 183625, MedGen C3888631, MONDO:0015967.

Submission:

ClinGen Monogenic Diabetes Variant Curation Expert Panel
Classification: Uncertain significance for Monogenic diabetes. Last evaluated: 2025-04-11. Review status: reviewed by expert panel. Criteria: ClinGen Diabetes ACMG Specifications HNF1A V2.1.0. Collection method: curation. Allele origin: germline. Inheritance: Autosomal dominant inheritance.
Comment: The c.14T>G variant in the HNF1 homeobox A gene, HNF1A, causes an amino acid change of leucine to arginine at codon 5 (p.(Leu5Arg) of NM_000545.8. This variant is absent from gnomAD v2.1.1 and v4.1 (PM2_Supporting).  Additionally, this variant is located within dimerization domain (codons 1-32) of HNF1A, which is defined as critical for the protein’s function by the ClinGen MDEP (PM1_Supporting).  This variant was identified in an individual with diabetes; however, the calculated MODY probability is <50% (PMID: 23348805, internal lab contributor). Lastly, this variant is predicted to be deleterious by computational evidence, with a REVEL score of 0.934, which is greater than the MDEP threshold of 0.70 (PP3). In summary, this variant meets the criteria to be classified as a variant of uncertain significance for monogenic diabetes. ACMG/AMP criteria applied, as specified by the ClinGen MDEP (specification version 2.1.0, approved 8/11/2023): PM2_Supporting, PM1_Supporting, PP3.

Literature cited by the submitters: PubMed 23348805.

NM_000545.8(HNF1A):c.14T>G (p.Leu5Arg)

Gene: HNF1A (HNF1 homeobox A; plus strand). Cytogenetic location: 12q24.31.
Variant type: single nucleotide variant.
Coding change: c.14T>G on transcript NM_000545.8 (MANE Select); coding-DNA position 14, T replaced by G.
Protein change: p.Leu5Arg; replaces leucine 5 with arginine.
Molecular consequence: missense variant.
Genome position (GRCh38, 1-based): chr12:120,978,782, T>G. VCF-style: chr12-120978782-T-G. GRCh37 (hg19) VCF-style: chr12-121416585-T-G.
Other names: NM_001306179.2:c.14T>G; c.14T>G, p.Leu5Arg (NM_001306179.2); short protein forms L5R.
Identifiers: ClinVar variation 1342945 (VCV001342945.4), dbSNP rs188016232, ClinGen allele CA386952150.